The following is an entry in ClinVar:

ClinVar aggregate classification (germline): Uncertain significance. Review status: criteria provided, multiple submitters, no conflicts (2 of 4 stars). 7 submissions from 7 submitters: Uncertain significance (7). Last evaluated 2026-04-13.

Conditions:
Inborn genetic diseases. Identifiers: MedGen C0950123, MeSH D030342.
Retinal dystrophy. Also called: Inherited retinal dystrophy. Identifiers: Orphanet 71862, MedGen C0854723, MeSH D058499, MONDO:0019118, HP:0000556.
Short-rib thoracic dysplasia 10 with or without polydactyly (SRTD10). Identifiers: Orphanet 474, MedGen C3810175, MONDO:0014284, OMIM 615630.
Bardet-Biedl syndrome 20. Identifiers: MedGen C4310707, MONDO:0023670, OMIM 619471, MONDO:0014926.
Retinitis pigmentosa 71 (RP71). Identifiers: Orphanet 791, MedGen C4225342, MONDO:0014618, OMIM 616394.
IFT172-related disorder. Also called: IFT172-related disorders; IFT172-related condition.

Allele frequency attached by ClinVar (database versions not stated): gnomAD 0.00013 and 0.00015; TOPMed 0.00014; ESP Exome Variant Server 0.00023.
gnomAD v4.1: 46 of 1,613,726 alleles (0.0029%); highest among the groups gnomAD compares: African/African-American, 0.043%; no homozygotes.

Submissions (7):

PreventionGenetics, part of Exact Sciences
Classification: Uncertain significance for IFT172-related condition. Last evaluated: 2026-04-13. Review status: criteria provided, single submitter. Criteria: ACMG Guidelines, 2015. Collection method: clinical testing. Allele origin: germline.
Comment: The IFT172 c.706C>T variant is predicted to result in the amino acid substitution p.Arg236Cys. This variant has been detected in a cohort of Japanese individuals with retinitis pigmentosa and was considered of uncertain significance (Table S5 Koyanagi et al. 2019. PubMed ID: 31213501). This variant is reported in 0.028% of alleles in individuals of African descent in gnomAD. At this time, the clinical significance of this variant is uncertain due to the absence of conclusive functional and genetic evidence.

GeneDx
Classification: Uncertain significance. Last evaluated: 2025-12-08. Review status: criteria provided, single submitter. Criteria: GeneDx Variant Classification Process June 2021. Collection method: clinical testing. Allele origin: germline. Affected: yes.
Comment: In silico analysis supports that this missense variant has a deleterious effect on protein structure/function; Has not been previously published as pathogenic or benign to our knowledge

Ambry Genetics
Classification: Uncertain significance for Inborn genetic diseases. Last evaluated: 2024-11-13. Review status: criteria provided, single submitter. Criteria: Ambry Variant Classification Scheme 2023. Collection method: clinical testing. Allele origin: germline.

Labcorp Genetics (formerly Invitae), Labcorp
Classification: Uncertain significance for Retinitis pigmentosa 71; Short-rib thoracic dysplasia 10 with or without polydactyly. Last evaluated: 2024-02-16. Review status: criteria provided, single submitter. Criteria: Invitae Variant Classification Sherloc (09022015). Collection method: clinical testing. Allele origin: germline.
Comment: This sequence change replaces arginine, which is basic and polar, with cysteine, which is neutral and slightly polar, at codon 236 of the IFT172 protein (p.Arg236Cys). This variant is present in population databases (rs146290725, gnomAD 0.02%). This variant has not been reported in the literature in individuals affected with IFT172-related conditions. ClinVar contains an entry for this variant (Variation ID: 955756). Advanced modeling of protein sequence and biophysical properties (such as structural, functional, and spatial information, amino acid conservation, physicochemical variation, residue mobility, and thermodynamic stability) performed at Invitae indicates that this missense variant is expected to disrupt IFT172 protein function with a positive predictive value of 80%. In summary, the available evidence is currently insufficient to determine the role of this variant in disease. Therefore, it has been classified as a Variant of Uncertain Significance.

Dept Of Ophthalmology, Nagoya University
Classification: Uncertain significance for Retinal dystrophy. Last evaluated: 2023-10-01. Review status: criteria provided, single submitter. Criteria: Submitter's publication. Collection method: research. Allele origin: germline. Affected: yes.

Fulgent Genetics
Classification: Uncertain significance for Short-rib thoracic dysplasia 10 with or without polydactyly; Retinitis pigmentosa 71; Bardet-Biedl syndrome 20. Last evaluated: 2022-04-05. Review status: criteria provided, single submitter. Criteria: ACMG Guidelines, 2015. Collection method: clinical testing. Allele origin: unknown.

Blueprint Genetics
Classification: Uncertain significance. Last evaluated: 2017-07-07. Review status: criteria provided, single submitter. Criteria: ACMG Guidelines, 2015. Collection method: clinical testing. Allele origin: germline.

NM_015662.3(IFT172):c.706C>T (p.Arg236Cys)

Gene: IFT172 (intraflagellar transport 172; minus strand). Cytogenetic location: 2p23.3.
Variant type: single nucleotide variant.
Coding change: c.706C>T on transcript NM_015662.3 (MANE Select); coding-DNA position 706, C replaced by T.
Protein change: p.Arg236Cys; replaces arginine 236 with cysteine.
Molecular consequence: missense variant.
Genome position (GRCh38, 1-based): chr2:27,481,125, G>A on the plus strand (C>T on the coding strand, the complement: IFT172 is on the minus strand). VCF-style: chr2-27481125-G-A. GRCh37 (hg19) VCF-style: chr2-27703992-G-A.
Other names: c.706C>T (NM_015662.1); short protein forms R236C.
Identifiers: ClinVar variation 955756 (VCV000955756.17), dbSNP rs146290725, ClinGen allele CA1580893.